The following is an entry in ClinVar:

NM_006031.6(PCNT):c.2809A>C (p.Lys937Gln)

Gene: PCNT (pericentrin; plus strand). Cytogenetic location: 21q22.3.
Variant type: single nucleotide variant.
Coding change: c.2809A>C on transcript NM_006031.6 (MANE Select); coding-DNA position 2809, A replaced by C.
Protein change: p.Lys937Gln; replaces lysine 937 with glutamine.
Molecular consequence: missense variant.
Genome position (GRCh38, 1-based): chr21:46,366,783, A>C. VCF-style: chr21-46366783-A-C. GRCh37 (hg19) VCF-style: chr21-47786698-A-C.
Other names: c.2455A>C, p.Lys819Gln (NM_001315529.2); short protein forms K937Q, K819Q.
Identifiers: ClinVar variation 436248 (VCV000436248.10), dbSNP rs577883327, ClinGen allele CA10079098.
Genomic context (GRCh38, chr21:46,366,783, plus strand): 5'-GCGGAGCTCGAGGCCAGACACCAGGCCGCGTTGGGCGAGCTGACAGCCTCCTTAGAGAGC[A>C]AGCAGGGGGCTCTGCTGGCTGCACGTGTGGCCGAACTGCAGACAAAACACGCTGCCGACC-3'
Protein context (NP_006022.3, residues 927-947): LGELTASLES[Lys937Gln]QGALLAARVA

ClinVar aggregate classification (germline): Conflicting classifications of pathogenicity. Review status: criteria provided, conflicting classifications (1 of 4 stars). 4 submissions from 4 submitters: Uncertain significance (2); Likely benign (1). 1 of the submissions does not count toward it. Last evaluated 2024-09-16.

Conditions:
PCNT-related disorder. Also called: PCNT-related condition.

Allele frequency attached by ClinVar (database versions not stated): gnomAD 0.00001; TOPMed 0.00001; gnomAD exomes 0.00005 and 0.00012; 1000 Genomes Project 30x 0.00016; ExAC 0.00016; 1000 Genomes Project 0.00020.
gnomAD v4.1: 90 of 1,613,724 alleles (0.0056%); highest among the groups gnomAD compares: South Asian, 0.079%; no homozygotes.

Submissions (4):

Blueprint Genetics
Classification: Likely benign. Last evaluated: 2024-09-16. Review status: criteria provided, single submitter. Criteria: ACMG Guidelines, 2015. Collection method: clinical testing. Allele origin: germline.

Labcorp Genetics (formerly Invitae), Labcorp
Classification: Uncertain significance. Last evaluated: 2022-05-03. Review status: criteria provided, single submitter. Criteria: Invitae Variant Classification Sherloc (09022015). Collection method: clinical testing. Allele origin: germline.
Comment: This sequence change replaces lysine, which is basic and polar, with glutamine, which is neutral and polar, at codon 937 of the PCNT protein (p.Lys937Gln). This variant is present in population databases (rs577883327, gnomAD 0.09%). This variant has not been reported in the literature in individuals affected with PCNT-related conditions. ClinVar contains an entry for this variant (Variation ID: 436248). Algorithms developed to predict the effect of missense changes on protein structure and function output the following: SIFT: "Tolerated"; PolyPhen-2: "Benign"; Align-GVGD: "Class C0". The glutamine amino acid residue is found in multiple mammalian species, which suggests that this missense change does not adversely affect protein function. In summary, the available evidence is currently insufficient to determine the role of this variant in disease. Therefore, it has been classified as a Variant of Uncertain Significance.

Genetic Services Laboratory, University of Chicago
Classification: Uncertain significance. Last evaluated: 2017-05-03. Review status: criteria provided, single submitter. Criteria: ACMG Guidelines, 2015. Collection method: clinical testing. Allele origin: germline. Affected: no.

PreventionGenetics, part of Exact Sciences
Classification: Uncertain significance for PCNT-related condition. Last evaluated: 2024-02-14. Review status: no assertion criteria provided. Collection method: clinical testing. Allele origin: germline. Not counted in ClinVar's aggregate classification.
Comment: The PCNT c.2809A>C variant is predicted to result in the amino acid substitution p.Lys937Gln. To our knowledge, this variant has not been reported in the literature. This variant is reported in 0.091% of alleles in individuals of South Asian descent in gnomAD. At this time, the clinical significance of this variant is uncertain due to the absence of conclusive functional and genetic evidence.